The following is an entry in ClinVar:

NM_022114.4(PRDM16):c.3491C>T (p.Ser1164Phe)

Gene: PRDM16 (PR/SET domain 16; plus strand). Cytogenetic location: 1p36.32.
Variant type: single nucleotide variant.
Coding change: c.3491C>T on transcript NM_022114.4 (MANE Select); coding-DNA position 3491, C replaced by T.
Protein change: p.Ser1164Phe; replaces serine 1164 with phenylalanine.
Molecular consequence: missense variant.
Genome position (GRCh38, 1-based): chr1:3,431,078, C>T. VCF-style: chr1-3431078-C-T. GRCh37 (hg19) VCF-style: chr1-3347642-C-T.
Other names: c.3491C>T, p.Ser1164Phe (NM_199454.3); short protein forms S1164F.
Identifiers: ClinVar variation 1059503 (VCV001059503.9), dbSNP rs2100702296, ClinGen allele CA338004281.
Genomic context (GRCh38, chr1:3,431,078, plus strand): 5'-CCCCCGCACCCGAGCCCCAGGCCGCCTACGAGGATGAGGAGGATGAGGAGCCAGCCGCCT[C>T]CCTGGCCGTGGGCTTTGACCACACCCGAAGGTGGGGGCAGCCGTGTGCTCCAGGATGGGG-3'
Protein context (NP_071397.3, residues 1154-1174): EDEEDEEPAA[Ser1164Phe]LAVGFDHTRR

ClinVar aggregate classification (germline): Uncertain significance (1 of 4 stars; one submission).

Conditions:
Left ventricular noncompaction 8 (LVNC8). Identifiers: Orphanet 154, Orphanet 54260, MedGen C3809288, MONDO:0014152, OMIM 615373.

Submission:

Labcorp Genetics (formerly Invitae), Labcorp
Classification: Uncertain significance for Left ventricular noncompaction 8. Last evaluated: 2020-09-03. Review status: criteria provided, single submitter. Criteria: Invitae Variant Classification Sherloc (09022015). Collection method: clinical testing. Allele origin: germline.
Comment: In summary, the available evidence is currently insufficient to determine the role of this variant in disease. Therefore, it has been classified as a Variant of Uncertain Significance. Algorithms developed to predict the effect of missense changes on protein structure and function are either unavailable or do not agree on the potential impact of this missense change (SIFT: "Deleterious"; PolyPhen-2: "Benign"; Align-GVGD: "Class C15"). This variant has not been reported in the literature in individuals with PRDM16-related conditions. This variant is not present in population databases (ExAC no frequency). This sequence change replaces serine with phenylalanine at codon 1164 of the PRDM16 protein (p.Ser1164Phe). The serine residue is highly conserved and there is a large physicochemical difference between serine and phenylalanine.